The following is an entry in ClinVar:

ClinVar aggregate classification (germline): Uncertain significance (1 of 4 stars; one submission).

Conditions:
Developmental and epileptic encephalopathy 94 (DEE94). Also called: Epileptic encephalopathy, childhood-onset; CHD2-Related Neurodevelopmental Disorders. Identifiers: Orphanet 1942, Orphanet 2382, MedGen C3809278, MONDO:0014150, OMIM 615369.

gnomAD v4.1: 1 of 1,610,954 alleles (0.000062%); highest among the groups gnomAD compares: Non-Finnish European, 0.000085%; no homozygotes.

Submission:

Labcorp Genetics (formerly Invitae), Labcorp
Classification: Uncertain significance for Developmental and epileptic encephalopathy 94. Last evaluated: 2025-04-07. Review status: criteria provided, single submitter. Criteria: Invitae Variant Classification Sherloc (09022015). Collection method: clinical testing. Allele origin: germline.
Comment: This sequence change replaces arginine, which is basic and polar, with glycine, which is neutral and non-polar, at codon 456 of the CHD2 protein (p.Arg456Gly). This variant is present in population databases (no rsID available, gnomAD 0.0009%). This variant has not been reported in the literature in individuals affected with CHD2-related conditions. ClinVar contains an entry for this variant (Variation ID: 3636670). Invitae Evidence Modeling of protein sequence and biophysical properties (such as structural, functional, and spatial information, amino acid conservation, physicochemical variation, residue mobility, and thermodynamic stability) indicates that this missense variant is not expected to disrupt CHD2 protein function with a negative predictive value of 95%. In summary, the available evidence is currently insufficient to determine the role of this variant in disease. Therefore, it has been classified as a Variant of Uncertain Significance.

NM_001271.4(CHD2):c.1366A>G (p.Arg456Gly)

Gene: CHD2 (chromodomain helicase DNA binding protein 2; plus strand). Cytogenetic location: 15q26.1.
Variant type: single nucleotide variant.
Coding change: c.1366A>G on transcript NM_001271.4 (MANE Select); coding-DNA position 1366, A replaced by G.
Protein change: p.Arg456Gly; replaces arginine 456 with glycine.
Molecular consequence: missense variant.
Genome position (GRCh38, 1-based): chr15:92,946,205, A>G. VCF-style: chr15-92946205-A-G. GRCh37 (hg19) VCF-style: chr15-93489435-A-G.
Other names: c.1366A>G, p.Arg456Gly (NM_001042572.3); short protein forms R456G.
Identifiers: ClinVar variation 3636670 (VCV003636670.2).